The following is an entry in ClinVar:

NM_020911.2(PLXNA4):c.2586+7C>T

Gene: PLXNA4 (plexin A4; minus strand). Cytogenetic location: 7q32.3.
Variant type: single nucleotide variant.
Coding change: c.2586+7C>T on transcript NM_020911.2 (MANE Select); 7 bases into the intron after coding-DNA position 2586, C replaced by T.
Molecular consequence: intron variant.
Genome position (GRCh38, 1-based): chr7:132,202,639, G>A on the plus strand (C>T on the coding strand, the complement: PLXNA4 is on the minus strand). VCF-style: chr7-132202639-G-A. GRCh37 (hg19) VCF-style: chr7-131887398-G-A.
Other names: c.2586+7C>T (NM_001393897.1).
Identifiers: ClinVar variation 3036874 (VCV003036874.2), dbSNP rs200154957, ClinGen allele CA4489770.

ClinVar aggregate classification (germline): Likely benign (0 of 4 stars; one submission).

Conditions:
PLXNA4-related disorder. Also called: PLXNA4-related condition.

Allele frequency attached by ClinVar (database versions not stated): ExAC 0.00013; ESP Exome Variant Server 0.00016; gnomAD 0.00021; gnomAD exomes 0.00023; TOPMed 0.00025; 1000 Genomes Project 30x 0.00031; 1000 Genomes Project 0.00040.
gnomAD v4.1: 331 of 1,475,610 alleles (0.022%); highest among the groups gnomAD compares: East Asian, 0.66%; 2 homozygotes.

Submission:

PreventionGenetics, part of Exact Sciences
Classification: Likely benign for PLXNA4-related condition. Last evaluated: 2021-08-10. Review status: no assertion criteria provided. Collection method: clinical testing. Allele origin: germline.
Comment: This variant is classified as likely benign based on ACMG/AMP sequence variant interpretation guidelines (Richards et al. 2015 PMID: 25741868, with internal and published modifications).